The following is an entry in ClinVar:

NM_000116.5(TAFAZZIN):c.253C>T (p.Arg85Cys)

Gene: TAFAZZIN (tafazzin, phospholipid-lysophospholipid transacylase; plus strand). Cytogenetic location: Xq28.
Variant type: single nucleotide variant.
Coding change: c.253C>T on transcript NM_000116.5 (MANE Select); coding-DNA position 253, C replaced by T.
Protein change: p.Arg85Cys; replaces arginine 85 with cysteine.
Molecular consequence: missense variant. On other transcripts: non-coding transcript variant (1).
Genome position (GRCh38, 1-based): chrX:154,413,221, C>T. VCF-style: chrX-154413221-C-T. GRCh37 (hg19) VCF-style: chrX-153641558-C-T.
Other names: c.253C>T (NM_000116.3); c.307C>T, p.Arg103Cys (NM_001303465.2); c.253C>T, p.Arg85Cys (NM_181311.4, NM_181312.4, NM_181313.4); short protein forms R103C, R85C.
Identifiers: ClinVar variation 835434 (VCV000835434.7), dbSNP rs376769286, ClinGen allele CA10562295.

ClinVar aggregate classification (germline): Uncertain significance. Review status: criteria provided, multiple submitters, no conflicts (2 of 4 stars). 2 submissions from 2 submitters: Uncertain significance (2). Last evaluated 2025-09-09.

Conditions:
Cardiovascular phenotype. Identifiers: MedGen CN230736.
3-Methylglutaconic aciduria type 2 (BTHS). Also called: Barth syndrome; CARDIOSKELETAL MYOPATHY WITH NEUTROPENIA AND ABNORMAL MITOCHONDRIA. Identifiers: Orphanet 111, MedGen C0574083, MONDO:0010543, OMIM 302060.

Allele frequency attached by ClinVar (database versions not stated): gnomAD 0.00001; TOPMed 0.00001; ExAC 0.00002; gnomAD exomes 0.00002; ESP Exome Variant Server 0.00009.
gnomAD v4.1: 20 of 1,210,515 alleles (0.0017%); highest among the groups gnomAD compares: Admixed American, 0.0022%; no homozygotes.

Submissions (2):

Labcorp Genetics (formerly Invitae), Labcorp
Classification: Uncertain significance for 3-Methylglutaconic aciduria type 2. Last evaluated: 2025-09-09. Review status: criteria provided, single submitter. Criteria: Invitae Variant Classification Sherloc (09022015). Collection method: clinical testing. Allele origin: germline.
Comment: This sequence change replaces arginine, which is basic and polar, with cysteine, which is neutral and slightly polar, at codon 85 of the TAZ protein (p.Arg85Cys). This variant is present in population databases (rs376769286, gnomAD 0.004%). This missense change has been observed in individual(s) with sudden unexplained death (PMID: 29247119). ClinVar contains an entry for this variant (Variation ID: 835434). An algorithm developed to predict the effect of missense changes on protein structure and function (PolyPhen-2) suggests that this variant is likely to be disruptive. In summary, the available evidence is currently insufficient to determine the role of this variant in disease. Therefore, it has been classified as a Variant of Uncertain Significance.

Ambry Genetics
Classification: Uncertain significance for Cardiovascular phenotype. Last evaluated: 2025-03-13. Review status: criteria provided, single submitter. Criteria: Ambry Variant Classification Scheme 2023. Collection method: clinical testing. Allele origin: germline.
Comment: The p.R85C variant (also known as c.253C>T), located in coding exon 3 of the TAZ gene, results from a C to T substitution at nucleotide position 253. The arginine at codon 85 is replaced by cysteine, an amino acid with highly dissimilar properties. This variant has been reported in a sudden unexplained death cohort (Lin Y et al. Circ Cardiovasc Genet, 2017 Dec;10:). This amino acid position is highly conserved in available vertebrate species. In addition, this alteration is predicted to be deleterious by in silico analysis. Based on data from gnomAD, the T allele has an overall frequency of <0.01% (3/183088) total alleles studied, with 1 hemizygote(s) observed. The highest observed frequency was <0.01% (1/27407) of Latino alleles. Based on the available evidence, the clinical significance of this variant remains unclear.

Literature cited by the submitters: PubMed 29247119 (cited by Labcorp Genetics (formerly Invitae), Labcorp and Ambry Genetics).